The following is an entry in ClinVar:

ClinVar aggregate classification (germline): Uncertain significance (1 of 4 stars; one submission).

Conditions:
Neurodevelopmental disorder with hypotonia, stereotypic hand movements, and impaired language. Also called: Intellectual disability, autosomal dominant 20. Identifiers: Orphanet 228384, Orphanet 664410, MedGen C3150700, MONDO:0013266, OMIM 613443.

Allele frequency attached by ClinVar (database versions not stated): gnomAD exomes below 0.00001.
gnomAD v4.1: 1 of 1,613,688 alleles (0.000062%); highest among the groups gnomAD compares: Admixed American, 0.0017%; no homozygotes.

Submission:

Labcorp Genetics (formerly Invitae), Labcorp
Classification: Uncertain significance for Neurodevelopmental disorder with hypotonia, stereotypic hand movements, and impaired language. Last evaluated: 2019-06-25. Review status: criteria provided, single submitter. Criteria: Invitae Variant Classification Sherloc (09022015). Collection method: clinical testing. Allele origin: germline.
Comment: In summary, the available evidence is currently insufficient to determine the role of this variant in disease. Therefore, it has been classified as a Variant of Uncertain Significance. Nucleotide substitutions within the consensus splice site are a relatively common cause of aberrant splicing (PMID: 17576681, 9536098). Algorithms developed to predict the effect of sequence changes on RNA splicing suggest that this variant is not likely to affect RNA splicing, but this prediction has not been confirmed by published transcriptional studies. This variant has not been reported in the literature in individuals with MEF2C-related disease. ClinVar contains an entry for this variant (Variation ID: 478579). This variant is not present in population databases (ExAC no frequency). This sequence change falls in intron 5 of the MEF2C gene. It does not directly change the encoded amino acid sequence of the MEF2C protein, but it affects a nucleotide within the consensus splice site of the intron.

Literature cited by the submitters: PubMed 17576681; PubMed 9536098.

NM_002397.5(MEF2C):c.589+6T>A

Gene: MEF2C (myocyte enhancer factor 2C; minus strand). Cytogenetic location: 5q14.3.
Variant type: single nucleotide variant.
Coding change: c.589+6T>A on transcript NM_002397.5 (MANE Select); 6 bases into the intron after coding-DNA position 589, T replaced by A.
Molecular consequence: intron variant.
Genome position (GRCh38, 1-based): chr5:88,751,851, A>T on the plus strand (T>A on the coding strand, the complement: MEF2C is on the minus strand). VCF-style: chr5-88751851-A-T. GRCh37 (hg19) VCF-style: chr5-88047668-A-T.
Other names: c.589+6T>A (NM_001364329.2, NM_001364330.2, NM_001364333.2 and 18 more transcripts); c.445+6T>A (NM_001364344.2, NM_001364354.2, NM_001364332.2 and 3 more transcripts); c.211+6T>A (NM_001364353.2, NM_001364356.2); c.583+6T>A (NM_001131005.2, NM_001364352.2, NM_001364343.2); c.643+6T>A (NM_001193347.1, NM_001364338.2); c.163+6T>A (NM_001364357.2).
Identifiers: ClinVar variation 478579 (VCV000478579.11), dbSNP rs1370610061, ClinGen allele CA561261218.